The following is an entry in ClinVar:

ClinVar aggregate classification (germline): Uncertain significance (1 of 4 stars; one submission).

Conditions:
Cholestanol storage disease (CTX). Also called: Cerebrotendinous Xanthomatosis; CTX: Cerebrotendinous xanthomatosis; CEREBRAL CHOLESTERINOSIS. Identifiers: Orphanet 909, MedGen C0238052, MONDO:0008948, OMIM 213700.

Allele frequency attached by ClinVar (database versions not stated): gnomAD exomes below 0.00001; ExAC 0.00001; TOPMed 0.00001.
gnomAD v4.1: 1 of 1,614,224 alleles (0.000062%); highest among the groups gnomAD compares: Admixed American, 0.0017%; no homozygotes.

Submission:

Labcorp Genetics (formerly Invitae), Labcorp
Classification: Uncertain significance for Cholestanol storage disease. Last evaluated: 2022-08-10. Review status: criteria provided, single submitter. Criteria: Invitae Variant Classification Sherloc (09022015). Collection method: clinical testing. Allele origin: germline.
Comment: This sequence change replaces proline, which is neutral and non-polar, with glutamine, which is neutral and polar, at codon 302 of the CYP27A1 protein (p.Pro302Gln). This variant is present in population databases (rs750278316, gnomAD 0.006%). This variant has not been reported in the literature in individuals affected with CYP27A1-related conditions. Advanced modeling of protein sequence and biophysical properties (such as structural, functional, and spatial information, amino acid conservation, physicochemical variation, residue mobility, and thermodynamic stability) performed at Invitae indicates that this missense variant is not expected to disrupt CYP27A1 protein function. In summary, the available evidence is currently insufficient to determine the role of this variant in disease. Therefore, it has been classified as a Variant of Uncertain Significance.

NM_000784.4(CYP27A1):c.905C>A (p.Pro302Gln)

Gene: CYP27A1 (cytochrome P450 family 27 subfamily A member 1; plus strand). Cytogenetic location: 2q35.
Variant type: single nucleotide variant.
Coding change: c.905C>A on transcript NM_000784.4 (MANE Select); coding-DNA position 905, C replaced by A.
Protein change: p.Pro302Gln; replaces proline 302 with glutamine.
Molecular consequence: missense variant.
Genome position (GRCh38, 1-based): chr2:218,812,984, C>A. VCF-style: chr2-218812984-C-A. GRCh37 (hg19) VCF-style: chr2-219677707-C-A.
Other names: short protein forms P302Q.
Identifiers: ClinVar variation 1932057 (VCV001932057.2), dbSNP rs750278316, ClinGen allele CA2112756.